The following is an entry in ClinVar:

NM_000038.6(APC):c.1744-725A>C

Gene: APC (APC regulator of WNT signaling pathway; plus strand). Cytogenetic location: 5q22.2.
Variant type: single nucleotide variant.
Coding change: c.1744-725A>C on transcript NM_000038.6 (MANE Select); 725 bases into the intron before coding-DNA position 1744, A replaced by C.
Molecular consequence: intron variant.
Genome position (GRCh38, 1-based): chr5:112,834,226, A>C. VCF-style: chr5-112834226-A-C. GRCh37 (hg19) VCF-style: chr5-112169923-A-C.
Other names: c.1744-725A>C (NM_001354895.2, NM_001127510.3); c.1774-725A>C (NM_001354897.2); c.1471-725A>C (NM_001354902.2); c.1690-725A>C (NM_001127511.3); c.1669-725A>C (NM_001354898.2); c.1366-725A>C (NM_001354904.2); c.895-725A>C (NM_001354906.2); c.1798-725A>C (NM_001354896.2); and 5 more.
Identifiers: ClinVar variation 82612 (VCV000082612.2), dbSNP rs76053267, ClinGen allele CA005950.

ClinVar aggregate classification (germline): other (0 of 4 stars; one submission).

Conditions:
Familial colorectal cancer. Identifiers: MedGen CN280943, MONDO:0023113. Disease mechanism: loss of function.

Submission:

Systems Biology Platform Zhejiang California International NanoSystems Institute
Classification: other for Familial colorectal cancer. Review status: no assertion criteria provided. Collection method: not provided. Allele origin: unknown.
ClinVar note: Converted during submission from cancer to other.